The following is an entry in ClinVar:

NM_004958.4(MTOR):c.5432G>A (p.Arg1811His)

Gene: MTOR (mechanistic target of rapamycin kinase; minus strand). Cytogenetic location: 1p36.22.
Variant type: single nucleotide variant.
Coding change: c.5432G>A on transcript NM_004958.4 (MANE Select); coding-DNA position 5432, G replaced by A.
Protein change: p.Arg1811His; replaces arginine 1811 with histidine.
Molecular consequence: missense variant.
Genome position (GRCh38, 1-based): chr1:11,130,710, C>T on the plus strand (G>A on the coding strand, the complement: MTOR is on the minus strand). VCF-style: chr1-11130710-C-T. GRCh37 (hg19) VCF-style: chr1-11190767-C-T.
Other names: c.5432G>A, p.Arg1811His (NM_001386500.1); c.4184G>A, p.Arg1395His (NM_001386501.1); short protein forms R1395H, R1811H.
Identifiers: ClinVar variation 1311867 (VCV001311867.7), dbSNP rs751393552, ClinGen allele CA589352.
Genomic context (GRCh38, chr1:11,130,710, plus strand): 5'-GCAGTGGTGGCGTTGGTGATGTTGGCCCCGCTGGCATGACGCAGTTTCTTCTTCTCATCG[C>T]GGGCTTGGTTCTGATGTTTGTAGTGTAGCACAGCTTCGAAGTTCATCACTGCCCACGCAT-3'
Protein context (NP_004949.1, residues 1801-1821): VLHYKHQNQA[Arg1811His]DEKKKLRHAS

ClinVar aggregate classification (germline): Conflicting classifications of pathogenicity. Review status: criteria provided, conflicting classifications (1 of 4 stars). 3 submissions from 3 submitters: Uncertain significance (2); Benign (1). Last evaluated 2025-11-27.

gnomAD v4.1: 11 of 1,602,052 alleles (0.00069%); highest among the groups gnomAD compares: East Asian, 0.0022%; no homozygotes.

Submissions (3):

Labcorp Genetics (formerly Invitae), Labcorp
Classification: Benign. Last evaluated: 2025-11-27. Review status: criteria provided, single submitter. Criteria: Invitae Variant Classification Sherloc (09022015). Collection method: clinical testing. Allele origin: germline.

Blueprint Genetics
Classification: Uncertain significance. Last evaluated: 2024-09-18. Review status: criteria provided, single submitter. Criteria: ACMG Guidelines, 2015. Collection method: clinical testing. Allele origin: germline.

GeneDx
Classification: Uncertain significance. Last evaluated: 2020-01-10. Review status: criteria provided, single submitter. Criteria: GeneDx Variant Classification Process June 2021. Collection method: clinical testing. Allele origin: germline. Affected: yes.
Comment: In silico analysis, which includes protein predictors and evolutionary conservation, supports that this variant does not alter protein structure/function; Has not been previously published as pathogenic or benign to our knowledge; This variant is associated with the following publications: (PMID: 26490311)